The following is an entry in ClinVar:

NM_020884.7(MYH7B):c.2770G>C (p.Gly924Arg)

Gene: MYH7B (myosin heavy chain 7B; plus strand). Cytogenetic location: 20q11.22.
Variant type: single nucleotide variant.
Coding change: c.2770G>C on transcript NM_020884.7 (MANE Select); coding-DNA position 2770, G replaced by C.
Protein change: p.Gly924Arg; replaces glycine 924 with arginine.
Molecular consequence: missense variant.
Genome position (GRCh38, 1-based): chr20:34,995,405, G>C. VCF-style: chr20-34995405-G-C. GRCh37 (hg19) VCF-style: chr20-33583208-G-C.
Other names: short protein forms G924R.
Identifiers: ClinVar variation 2857416 (VCV002857416.3), dbSNP rs2519203135, ClinGen allele CA408708125.

ClinVar aggregate classification (germline): Uncertain significance (1 of 4 stars; one submission).

Submission:

Labcorp Genetics (formerly Invitae), Labcorp
Classification: Uncertain significance. Last evaluated: 2023-10-18. Review status: criteria provided, single submitter. Criteria: Invitae Variant Classification Sherloc (09022015). Collection method: clinical testing. Allele origin: germline.
Comment: This sequence change replaces glycine, which is neutral and non-polar, with arginine, which is basic and polar, at codon 966 of the MYH7B protein (p.Gly966Arg). This variant is not present in population databases (gnomAD no frequency). This variant has not been reported in the literature in individuals affected with MYH7B-related conditions. Advanced modeling of protein sequence and biophysical properties (such as structural, functional, and spatial information, amino acid conservation, physicochemical variation, residue mobility, and thermodynamic stability) performed at Invitae indicates that this missense variant is not expected to disrupt MYH7B protein function. In summary, the available evidence is currently insufficient to determine the role of this variant in disease. Therefore, it has been classified as a Variant of Uncertain Significance.